The following is an entry in ClinVar:

ClinVar aggregate classification (germline): Benign. Review status: criteria provided, multiple submitters, no conflicts (2 of 4 stars). 5 submissions from 5 submitters: Benign (5). Last evaluated 2026-02-03.

Conditions:
Progressive encephalopathy with leukodystrophy due to DECR deficiency. Identifiers: Orphanet 431361, MedGen C1857252, MONDO:0014464, OMIM 616034.

Allele frequency attached by ClinVar (database versions not stated): 1000 Genomes Project 30x 0.32152; 1000 Genomes Project 0.32728; ESP Exome Variant Server 0.33062; TOPMed 0.33370; gnomAD 0.35110; gnomAD exomes 0.37183; ExAC 0.37641.
gnomAD v4.1: 607,378 of 1,608,604 alleles (38%); highest among the groups gnomAD compares: South Asian, 44%; 116,406 homozygotes.

Submissions (5):

Labcorp Genetics (formerly Invitae), Labcorp
Classification: Benign for Progressive encephalopathy with leukodystrophy due to DECR deficiency. Last evaluated: 2026-02-03. Review status: criteria provided, single submitter. Criteria: Invitae Variant Classification Sherloc (09022015). Collection method: clinical testing. Allele origin: germline.

Blueprint Genetics
Classification: Benign. Last evaluated: 2024-11-26. Review status: criteria provided, single submitter. Criteria: ACMG Guidelines, 2015. Collection method: clinical testing. Allele origin: germline.

Mayo Clinic Laboratories, Mayo Clinic
Classification: Benign. Last evaluated: 2022-04-26. Review status: criteria provided, single submitter. Criteria: ACMG Guidelines, 2015. Collection method: clinical testing. Allele origin: germline. Observed: 45 variant alleles.

GeneDx
Classification: Benign. Last evaluated: 2015-12-02. Review status: criteria provided, single submitter. Criteria: GeneDx Variant Classification (06012015). Collection method: clinical testing. Allele origin: germline. Affected: yes.
Comment: This variant is considered likely benign or benign based on one or more of the following criteria: it is a conservative change, it occurs at a poorly conserved position in the protein, it is predicted to be benign by multiple in silico algorithms, and/or has population frequency not consistent with disease.

Breakthrough Genomics
Classification: Benign. Review status: criteria provided, single submitter. Criteria: ACMG Guidelines, 2015. Collection method: not provided. Allele origin: germline. Inheritance: Autosomal recessive inheritance. Affected: yes.

NM_001085411.3(NADK2):c.645-11A>T

Gene: NADK2 (NAD kinase 2, mitochondrial; minus strand). Cytogenetic location: 5p13.2.
Variant type: single nucleotide variant.
Coding change: c.645-11A>T on transcript NM_001085411.3 (MANE Select); 11 bases into the intron before coding-DNA position 645, A replaced by T.
Molecular consequence: intron variant.
Genome position (GRCh38, 1-based): chr5:36,217,895, T>A on the plus strand (A>T on the coding strand, the complement: NADK2 is on the minus strand). VCF-style: chr5-36217895-T-A. GRCh37 (hg19) VCF-style: chr5-36217997-T-A.
Other names: p.?; c.156-11A>T (NM_153013.5, NM_001287341.2, NM_001287340.2).
Identifiers: ClinVar variation 379998 (VCV000379998.13), dbSNP rs3761973, ClinGen allele CA3234643.